The following is an entry in ClinVar:

ClinVar aggregate classification (germline): Uncertain significance. Review status: criteria provided, multiple submitters, no conflicts (2 of 4 stars). 5 submissions from 5 submitters: Uncertain significance (5). Last evaluated 2025-09-25.

Conditions:
Hereditary cancer-predisposing syndrome. Also called: Hereditary neoplastic syndrome; Tumor predisposition; Neoplastic Syndromes, Hereditary; Hereditary Cancer Syndrome. Identifiers: Orphanet 140162, MedGen C0027672, MeSH D009386, MONDO:0015356.
Peutz-Jeghers syndrome (PJS). Also called: Peutz-Jeghers polyposis; Periorificial lentiginosis syndrome; POLYPOSIS, HAMARTOMATOUS INTESTINAL; POLYPS-AND-SPOTS SYNDROME. Identifiers: Orphanet 2869, MedGen C0031269, MeSH D010580, MONDO:0008280, OMIM 175200.

Allele frequency attached by ClinVar (database versions not stated): TOPMed below 0.00001.
gnomAD v4.1: 1 of 1,613,810 alleles (0.000062%); highest among the groups gnomAD compares: South Asian, 0.0011%; no homozygotes.

Submissions (5):

Ambry Genetics
Classification: Uncertain significance for Hereditary cancer-predisposing syndrome. Last evaluated: 2025-09-25. Review status: criteria provided, single submitter. Criteria: Ambry Variant Classification Scheme 2023. Collection method: clinical testing. Allele origin: germline.
Comment: The p.S69L variant (also known as c.206C>T), located in coding exon 1 of the STK11 gene, results from a C to T substitution at nucleotide position 206. The serine at codon 69 is replaced by leucine, an amino acid with dissimilar properties. This amino acid position is conserved. In addition, the in silico prediction for this alteration is inconclusive. Based on the available evidence, the clinical significance of this variant remains unclear.

Labcorp Genetics (formerly Invitae), Labcorp
Classification: Uncertain significance for Peutz-Jeghers syndrome. Last evaluated: 2024-05-01. Review status: criteria provided, single submitter. Criteria: Invitae Variant Classification Sherloc (09022015). Collection method: clinical testing. Allele origin: germline.
Comment: This sequence change replaces serine, which is neutral and polar, with leucine, which is neutral and non-polar, at codon 69 of the STK11 protein (p.Ser69Leu). This variant is not present in population databases (gnomAD no frequency). This variant has not been reported in the literature in individuals affected with STK11-related conditions. ClinVar contains an entry for this variant (Variation ID: 856338). Advanced modeling of protein sequence and biophysical properties (such as structural, functional, and spatial information, amino acid conservation, physicochemical variation, residue mobility, and thermodynamic stability) has been performed at Invitae for this missense variant, however the output from this modeling did not meet the statistical confidence thresholds required to predict the impact of this variant on STK11 protein function. In summary, the available evidence is currently insufficient to determine the role of this variant in disease. Therefore, it has been classified as a Variant of Uncertain Significance.

All of Us Research Program, National Institutes of Health
Classification: Uncertain significance for Peutz-Jeghers syndrome. Last evaluated: 2023-12-13. Review status: criteria provided, single submitter. Criteria: ACMG Guidelines, 2015. Collection method: clinical testing. Allele origin: germline. Inheritance: Autosomal dominant inheritance. Observed: 1 variant allele, 1 heterozygote.
Comment: This missense variant replaces serine with leucine at codon 69 of the STK11 protein. Computational prediction suggests that this variant may not impact protein structure and function (internally defined REVEL score threshold <= 0.5, PMID: 27666373). To our knowledge, functional studies have not been reported for this variant. This variant has not been reported in individuals affected with STK11-related disorders in the literature. This variant has not been identified in the general population by the Genome Aggregation Database (gnomAD). The available evidence is insufficient to determine the role of this variant in disease conclusively. Therefore, this variant is classified as a Variant of Uncertain Significance.

This study involves interpretation of variants in research participants for the purpose of population health screening. Participant phenotype was not available at the time of variant classification. Additional details can be found in publication PMID: 35346344, PMCID: PMC8962531

Color Diagnostics, LLC DBA Color Health
Classification: Uncertain significance for Hereditary cancer-predisposing syndrome. Last evaluated: 2023-11-15. Review status: criteria provided, single submitter. Criteria: ACMG Guidelines, 2015. Collection method: clinical testing. Allele origin: germline.
Comment: This missense variant replaces serine with leucine at codon 69 of the STK11 protein. Computational prediction suggests that this variant may not impact protein structure and function (internally defined REVEL score threshold <= 0.5, PMID: 27666373). To our knowledge, functional studies have not been reported for this variant. This variant has not been reported in individuals affected with STK11-related disorders in the literature. This variant has not been identified in the general population by the Genome Aggregation Database (gnomAD). The available evidence is insufficient to determine the role of this variant in disease conclusively. Therefore, this variant is classified as a Variant of Uncertain Significance.

Genome-Nilou Lab
Classification: Uncertain significance for Peutz-Jeghers syndrome. Last evaluated: 2021-07-15. Review status: criteria provided, single submitter. Criteria: ACMG Guidelines, 2015. Collection method: clinical testing. Allele origin: germline. Affected: no.

NM_000455.5(STK11):c.206C>T (p.Ser69Leu)

Gene: STK11 (serine/threonine kinase 11; plus strand). Cytogenetic location: 19p13.3.
Variant type: single nucleotide variant.
Coding change: c.206C>T on transcript NM_000455.5 (MANE Select); coding-DNA position 206, C replaced by T.
Protein change: p.Ser69Leu; replaces serine 69 with leucine.
Molecular consequence: missense variant.
Genome position (GRCh38, 1-based): chr19:1,207,119, C>T. VCF-style: chr19-1207119-C-T. GRCh37 (hg19) VCF-style: chr19-1207118-C-T.
Other names: short protein forms S69L.
Identifiers: ClinVar variation 856338 (VCV000856338.16), dbSNP rs1473347455, ClinGen allele CA089296.
Genomic context (GRCh38, chr19:1,207,119, plus strand): 5'-ACCTGATGGGGGACCTGCTGGGGGAAGGCTCTTACGGCAAGGTGAAGGAGGTGCTGGACT[C>T]GGAGACGCTGTGCAGGAGGGCCGTCAAGATCCTCAAGAAGAAGAAGTTGCGAAGGATCCC-3'
Protein context (NP_000446.1, residues 59-79): SYGKVKEVLD[Ser69Leu]ETLCRRAVKI